The following is an entry in ClinVar:

ClinVar aggregate classification (germline): Conflicting classifications of pathogenicity. Review status: criteria provided, conflicting classifications (1 of 4 stars). 4 submissions from 4 submitters: Uncertain significance (1); Likely benign (2). 1 of the submissions does not count toward it. Last evaluated 2025-12-08.

Conditions:
FBXL4-related disorder. Also called: FBXL4-related condition.
Mitochondrial DNA depletion syndrome 13. Also called: Mitochondrial DNA depletion syndrome 13 (encephalomyopathic type); FBXL4-Related Encephalomyopathic Mitochondrial DNA Depletion Syndrome. Identifiers: Orphanet 369897, MedGen C3809592, MONDO:0014198, OMIM 615471.

Allele frequency attached by ClinVar (database versions not stated): TOPMed 0.00002; gnomAD exomes 0.00009; ExAC 0.00010; 1000 Genomes Project 30x 0.00016; 1000 Genomes Project 0.00020.
gnomAD v4.1: 76 of 1,614,234 alleles (0.0047%); highest among the groups gnomAD compares: South Asian, 0.067%; 1 homozygote.

Submissions (4):

Labcorp Genetics (formerly Invitae), Labcorp
Classification: Likely benign. Last evaluated: 2025-12-08. Review status: criteria provided, single submitter. Criteria: Invitae Variant Classification Sherloc (09022015). Collection method: clinical testing. Allele origin: germline.

Blueprint Genetics
Classification: Likely benign. Last evaluated: 2023-10-04. Review status: criteria provided, single submitter. Criteria: ACMG Guidelines, 2015. Collection method: clinical testing. Allele origin: germline.

Wong Mito Lab, Molecular and Human Genetics, Baylor College of Medicine
Classification: Uncertain significance for Mitochondrial DNA depletion syndrome 13. Last evaluated: 2017-08-10. Review status: criteria provided, single submitter. Criteria: ACMG Guidelines, 2015. Collection method: reference population. Allele origin: germline.
Comment: The NM_012160.4:c.300T>C (NP_036292.2:p.Tyr100=) [GRCH38: NC_000006.12:g.98926689A>G] variant in FBXL4 gene is interpretated to be a Uncertain Significance - Conflicting Evidence based on ACMG guidelines (PMID: 25741868). This variant meets one or more of the following evidence codes reported in the ACMG-guideline. PM2:This variant is absent in key population databases. BP4:Computational evidence/predictors indicate no impact on the FBXL4 structure, function, or protein-protein interaction. BP7:The variant is silent with non predicted splice impact. Based on this evidence code ClinGen Pathogenicity Calculator (PMID:28081714) suggested that the variant is Uncertain Significance - Conflicting Evidence.

PreventionGenetics, part of Exact Sciences
Classification: Likely benign for FBXL4-related condition. Last evaluated: 2023-07-25. Review status: no assertion criteria provided. Collection method: clinical testing. Allele origin: germline. Not counted in ClinVar's aggregate classification.
Comment: This variant is classified as likely benign based on ACMG/AMP sequence variant interpretation guidelines (Richards et al. 2015 PMID: 25741868, with internal and published modifications).

NM_001278716.2(FBXL4):c.300T>C (p.Tyr100=)

Gene: FBXL4 (F-box and leucine rich repeat protein 4; minus strand). Cytogenetic location: 6q16.2.
Variant type: single nucleotide variant.
Coding change: c.300T>C on transcript NM_001278716.2 (MANE Select); coding-DNA position 300, T replaced by C.
Protein change: p.Tyr100=; no amino-acid change (tyrosine 100 retained).
Molecular consequence: synonymous variant. On other transcripts: non-coding transcript variant (2).
Genome position (GRCh38, 1-based): chr6:98,926,689, A>G on the plus strand (T>C on the coding strand, the complement: FBXL4 is on the minus strand). VCF-style: chr6-98926689-A-G. GRCh37 (hg19) VCF-style: chr6-99374565-A-G.
Other names: c.300T>C, p.Tyr100= (NM_012160.5).
Identifiers: ClinVar variation 437560 (VCV000437560.9), dbSNP rs573472397, ClinGen allele CA3933710.